The following is an entry in ClinVar:

ClinVar aggregate classification (germline): Uncertain significance (1 of 4 stars; one submission).

Conditions:
Long QT syndrome (LQTS). Identifiers: MedGen C0023976, MeSH D008133, MONDO:0002442. Disease mechanism: loss of function. Inheritance: Various modes of inheritance.

Submission:

Labcorp Genetics (formerly Invitae), Labcorp
Classification: Uncertain significance for Long QT syndrome. Last evaluated: 2024-05-10. Review status: criteria provided, single submitter. Criteria: Invitae Variant Classification Sherloc (09022015). Collection method: clinical testing. Allele origin: germline.
Comment: This sequence change replaces alanine, which is neutral and non-polar, with serine, which is neutral and polar, at codon 1314 of the ANK2 protein (p.Ala1314Ser). This variant is not present in population databases (gnomAD no frequency). This variant has not been reported in the literature in individuals affected with ANK2-related conditions. Advanced modeling of protein sequence and biophysical properties (such as structural, functional, and spatial information, amino acid conservation, physicochemical variation, residue mobility, and thermodynamic stability) performed at Invitae indicates that this missense variant is not expected to disrupt ANK2 protein function with a negative predictive value of 80%. In summary, the available evidence is currently insufficient to determine the role of this variant in disease. Therefore, it has been classified as a Variant of Uncertain Significance.

NM_001148.6(ANK2):c.3940G>T (p.Ala1314Ser)

Gene: ANK2 (ankyrin 2; plus strand). Cytogenetic location: 4q26.
Variant type: single nucleotide variant.
Coding change: c.3940G>T on transcript NM_001148.6 (MANE Select); coding-DNA position 3940, G replaced by T.
Protein change: p.Ala1314Ser; replaces alanine 1314 with serine.
Molecular consequence: missense variant.
Genome position (GRCh38, 1-based): chr4:113,341,734, G>T. VCF-style: chr4-113341734-G-T. GRCh37 (hg19) VCF-style: chr4-114262890-G-T.
Other names: c.3556G>T, p.Ala1186Ser (NM_001354277.2, NM_001386157.1); c.3913G>T, p.Ala1305Ser (NM_001127493.3); c.3952G>T, p.Ala1318Ser (NM_001354225.2); c.3841G>T, p.Ala1281Ser (NM_001354228.2, NM_001354258.2); c.3919G>T, p.Ala1307Ser (NM_001354230.2); c.3982G>T, p.Ala1328Ser (NM_001354231.2, NM_001354242.2); c.3976G>T, p.Ala1326Ser (NM_001354232.2); c.3937G>T, p.Ala1313Ser (NM_001354235.2, NM_001354246.2, NM_001354265.2); and 31 more; short protein forms A114S, A1153S, A1186S, A1214S, A1219S, A1227S, A1239S, A1243S.
Identifiers: ClinVar variation 3624571 (VCV003624571.2).